The following is an entry in ClinVar:

NM_006846.4(SPINK5):c.85A>G (p.Met29Val)

Gene: SPINK5 (serine peptidase inhibitor Kazal type 5; plus strand). Cytogenetic location: 5q32.
Variant type: single nucleotide variant.
Coding change: c.85A>G on transcript NM_006846.4 (MANE Select); coding-DNA position 85, A replaced by G.
Protein change: p.Met29Val; replaces methionine 29 with valine.
Molecular consequence: missense variant.
Genome position (GRCh38, 1-based): chr5:148,070,326, A>G. VCF-style: chr5-148070326-A-G. GRCh37 (hg19) VCF-style: chr5-147449889-A-G.
Other names: c.85A>G, p.Met29Val (NM_001127698.2, NM_001127699.2); short protein forms M29V.
Identifiers: ClinVar variation 958458 (VCV000958458.8), dbSNP rs946715933, ClinGen allele CA129717598.

ClinVar aggregate classification (germline): Uncertain significance (1 of 4 stars; one submission).

Conditions:
Ichthyosis linearis circumflexa. Identifiers: MedGen C0265962, MONDO:0043106, HP:0025810.

Allele frequency attached by ClinVar (database versions not stated): gnomAD 0.00001; TOPMed 0.00002.

Submission:

Labcorp Genetics (formerly Invitae), Labcorp
Classification: Uncertain significance for Ichthyosis linearis circumflexa. Last evaluated: 2023-10-22. Review status: criteria provided, single submitter. Criteria: Invitae Variant Classification Sherloc (09022015). Collection method: clinical testing. Allele origin: germline.
Comment: This sequence change replaces methionine, which is neutral and non-polar, with valine, which is neutral and non-polar, at codon 29 of the SPINK5 protein (p.Met29Val). This variant is not present in population databases (gnomAD no frequency). This variant has not been reported in the literature in individuals affected with SPINK5-related conditions. ClinVar contains an entry for this variant (Variation ID: 958458). Algorithms developed to predict the effect of missense changes on protein structure and function output the following: SIFT: "Not Available"; PolyPhen-2: "Benign"; Align-GVGD: "Not Available". The valine amino acid residue is found in multiple mammalian species, which suggests that this missense change does not adversely affect protein function. In summary, the available evidence is currently insufficient to determine the role of this variant in disease. Therefore, it has been classified as a Variant of Uncertain Significance.